The following is an entry in ClinVar:

NM_001371623.1(TCOF1):c.4079C>T (p.Pro1360Leu)

Gene: TCOF1 (treacle ribosome biogenesis factor 1; plus strand). Cytogenetic location: 5q32.
Variant type: single nucleotide variant.
Coding change: c.4079C>T on transcript NM_001371623.1 (MANE Select); coding-DNA position 4079, C replaced by T.
Protein change: p.Pro1360Leu; replaces proline 1360 with leucine.
Molecular consequence: missense variant.
Genome position (GRCh38, 1-based): chr5:150,396,576, C>T. VCF-style: chr5-150396576-C-T. GRCh37 (hg19) VCF-style: chr5-149776139-C-T.
Other names: c.3845C>T, p.Pro1282Leu (NM_000356.4); c.4076C>T, p.Pro1359Leu (NM_001135243.2); c.3965C>T, p.Pro1322Leu (NM_001135244.2); c.3848C>T, p.Pro1283Leu (NM_001135245.2); c.3962C>T, p.Pro1321Leu (NM_001195141.2); short protein forms P1321L, P1282L, P1283L, P1322L, P1359L, P1360L.
Identifiers: ClinVar variation 805644 (VCV000805644.17), dbSNP rs541861585, ClinGen allele CA3511660.

ClinVar aggregate classification (germline): Conflicting classifications of pathogenicity. Review status: criteria provided, conflicting classifications (1 of 4 stars). 6 submissions from 6 submitters: Uncertain significance (5); Likely benign (1). Last evaluated 2026-02-24.

Conditions:
Treacher Collins syndrome 1 (TCS1). Also called: TCOF1-Related Treacher Collins Syndrome. Identifiers: Orphanet 861, MedGen CN315775, MONDO:0007944, OMIM 154500.
TCOF1-related disorder. Also called: TCOF1-related condition.
Inborn genetic diseases. Identifiers: MedGen C0950123, MeSH D030342.

Allele frequency attached by ClinVar (database versions not stated): gnomAD exomes 0.00001; ExAC 0.00004; gnomAD 0.00013 and 0.00014; 1000 Genomes Project 30x 0.00016; 1000 Genomes Project 0.00020; TOPMed 0.00048.

Submissions (6):

PreventionGenetics, part of Exact Sciences
Classification: Uncertain significance for TCOF1-related condition. Last evaluated: 2026-02-24. Review status: criteria provided, single submitter. Criteria: ACMG Guidelines, 2015. Collection method: clinical testing. Allele origin: germline.
Comment: The TCOF1 c.4076C>T variant is predicted to result in the amino acid substitution p.Pro1359Leu. To our knowledge, this variant has not been reported in the literature. This variant is reported in 0.0069% of alleles in individuals of Latino descent in gnomAD. At this time, the clinical significance of this variant is uncertain due to the absence of conclusive functional and genetic evidence.

Labcorp Genetics (formerly Invitae), Labcorp
Classification: Uncertain significance for Treacher Collins syndrome 1. Last evaluated: 2025-07-10. Review status: criteria provided, single submitter. Criteria: Invitae Variant Classification Sherloc (09022015). Collection method: clinical testing. Allele origin: germline.
Comment: This sequence change replaces proline, which is neutral and non-polar, with leucine, which is neutral and non-polar, at codon 1359 of the TCOF1 protein (p.Pro1359Leu). The frequency data for this variant in the population databases is considered unreliable, as metrics indicate poor data quality at this position in the gnomAD database. This variant has not been reported in the literature in individuals affected with TCOF1-related conditions. ClinVar contains an entry for this variant (Variation ID: 805644). An algorithm developed to predict the effect of missense changes on protein structure and function (PolyPhen-2) suggests that this variant is likely to be disruptive. In summary, the available evidence is currently insufficient to determine the role of this variant in disease. Therefore, it has been classified as a Variant of Uncertain Significance.

Ambry Genetics
Classification: Uncertain significance for Inborn genetic diseases. Last evaluated: 2025-07-02. Review status: criteria provided, single submitter. Criteria: Ambry Variant Classification Scheme 2023. Collection method: clinical testing. Allele origin: germline.

GeneDx
Classification: Uncertain significance. Last evaluated: 2025-01-23. Review status: criteria provided, single submitter. Criteria: GeneDx Variant Classification Process June 2021. Collection method: clinical testing. Allele origin: germline. Affected: yes.
Comment: In silico analysis supports that this missense variant has a deleterious effect on protein structure/function; Has not been previously published as pathogenic or benign to our knowledge

Blueprint Genetics
Classification: Likely benign. Last evaluated: 2022-05-14. Review status: criteria provided, single submitter. Criteria: ACMG Guidelines, 2015. Collection method: clinical testing. Allele origin: germline.

Athena Diagnostics
Classification: Uncertain significance. Last evaluated: 2018-09-17. Review status: criteria provided, single submitter. Criteria: Athena Diagnostics Criteria. Collection method: clinical testing. Allele origin: germline.